The following is an entry in ClinVar:

ClinVar aggregate classification (germline): Uncertain significance (1 of 4 stars; one submission).

Conditions:
Capillary malformation-arteriovenous malformation syndrome. Also called: Capillary malformation-arteriovenous malformation. Identifiers: Orphanet 137667, MedGen C1842180, MONDO:0012016.

Submission:

Labcorp Genetics (formerly Invitae), Labcorp
Classification: Uncertain significance for Capillary malformation-arteriovenous malformation syndrome. Last evaluated: 2024-03-25. Review status: criteria provided, single submitter. Criteria: Invitae Variant Classification Sherloc (09022015). Collection method: clinical testing. Allele origin: germline.
Comment: This variant, c.1932_1933insAGA, results in the insertion of 1 amino acid(s) of the RASA1 protein (p.Phe644_Asp645insArg), but otherwise preserves the integrity of the reading frame. This variant is not present in population databases (gnomAD no frequency). This variant has not been reported in the literature in individuals affected with RASA1-related conditions. In summary, the available evidence is currently insufficient to determine the role of this variant in disease. Therefore, it has been classified as a Variant of Uncertain Significance.

NM_002890.3(RASA1):c.1932_1933insAGA (p.Phe644_Asp645insArg)

Genes: CCNH (cyclin H; minus strand), RASA1 (RAS p21 protein activator 1; plus strand). Cytogenetic location: 5q14.3.
Variant type: Insertion.
Coding change: c.1932_1933insAGA on transcript NM_002890.3 (MANE Select); coding-DNA positions 1932 to 1933, AGA inserted.
Protein change: p.Phe644_Asp645insArg.
Molecular consequence: inframe insertion. On other transcripts: intron variant (1).
Genome position: GRCh38 VCF-style: chr5-87374318-T-TAGA. GRCh37 (hg19) VCF-style: chr5-86670135-T-TAGA.
Other names: c.1401_1402insAGA, p.Phe467_Asp468insArg (NM_022650.3); c.933+20725_933+20726insTCT (NM_001364075.2).
Identifiers: ClinVar variation 3647557 (VCV003647557.2).
Genomic context (GRCh38, chr5:87,374,318, plus strand): 5'-AGTAGCAAAAACTCATGCAAGGGAAGGGCAAAACCCAGTATGGTCAGAAGAGTTTGTCTT[T>TAGA]GAGTAAGTCTTATTTTATCATTACATTAATCATTTTCTTTTACCATATTGCATTTCTTTC-3'